The following is an entry in ClinVar:

ClinVar aggregate classification (germline): Uncertain significance (1 of 4 stars; one submission).

Conditions:
Epidermolysis bullosa simplex 5B, with muscular dystrophy (EBS5B). Also called: Epidermolysis bullosa simplex with muscular dystrophy; EPIDERMOLYSIS BULLOSA SIMPLEX AND LIMB-GIRDLE MUSCULAR DYSTROPHY. Identifiers: Orphanet 257, MedGen C2931072, MONDO:0009181, OMIM 226670.
Autosomal recessive limb-girdle muscular dystrophy type 2Q (LGMDR17). Also called: MUSCULAR DYSTROPHY, LIMB-GIRDLE, AUTOSOMAL RECESSIVE 17. Identifiers: Orphanet 254361, MedGen C3150989, MONDO:0013390, OMIM 613723.
Epidermolysis bullosa simplex with nail dystrophy (EBS5D). Identifiers: MedGen C4225309, MONDO:0014661, OMIM 616487.
Epidermolysis bullosa simplex 5C, with pyloric atresia (EBS5C). Also called: PLEC-Related Epidermolysis Bullosa with Pyloric Atresia; Epidermolysis bullosa simplex with pyloric atresia; PLEC1-Related Epidermolysis Bullosa with Pyloric Atresia. Identifiers: Orphanet 158684, MedGen C2677349, MONDO:0012807, OMIM 612138.
Epidermolysis bullosa simplex, Ogna type (EBS5A). Also called: Pidermolysis bullosa simplex 5A, Ogna type; EPIDERMOLYSIS BULLOSA SIMPLEX 5A, OGNA TYPE. Identifiers: Orphanet 79401, MedGen C0432317, MONDO:0007555, OMIM 131950.

Allele frequency attached by ClinVar (database versions not stated): ExAC 0.00001; gnomAD 0.00001 and 0.00003; gnomAD exomes 0.00001 and 0.00002; TOPMed 0.00005.
gnomAD v4.1: 38 of 1,591,572 alleles (0.0024%); highest among the groups gnomAD compares: African/African-American, 0.011%; no homozygotes.

Submission:

Labcorp Genetics (formerly Invitae), Labcorp
Classification: Uncertain significance for Autosomal recessive limb-girdle muscular dystrophy type 2Q; Epidermolysis bullosa simplex, Ogna type; Epidermolysis bullosa simplex with nail dystrophy; Epidermolysis bullosa simplex 5C, with pyloric atresia; Epidermolysis bullosa simplex 5B, with muscular dystrophy. Last evaluated: 2023-10-29. Review status: criteria provided, single submitter. Criteria: Invitae Variant Classification Sherloc (09022015). Collection method: clinical testing. Allele origin: germline.
Comment: This sequence change replaces arginine, which is basic and polar, with histidine, which is basic and polar, at codon 3881 of the PLEC protein (p.Arg3881His). This variant is present in population databases (rs782426200, gnomAD 0.005%). This variant has not been reported in the literature in individuals affected with PLEC-related conditions. ClinVar contains an entry for this variant (Variation ID: 967589). An algorithm developed to predict the effect of missense changes on protein structure and function (PolyPhen-2) suggests that this variant is likely to be tolerated. In summary, the available evidence is currently insufficient to determine the role of this variant in disease. Therefore, it has been classified as a Variant of Uncertain Significance.

NM_201384.3(PLEC):c.11561G>A (p.Arg3854His)

Gene: PLEC (plectin; minus strand). Cytogenetic location: 8q24.3.
Variant type: single nucleotide variant.
Coding change: c.11561G>A on transcript NM_201384.3 (MANE Select); coding-DNA position 11561, G replaced by A.
Protein change: p.Arg3854His; replaces arginine 3854 with histidine.
Molecular consequence: missense variant.
Genome position (GRCh38, 1-based): chr8:143,918,260, C>T on the plus strand (G>A on the coding strand, the complement: PLEC is on the minus strand). VCF-style: chr8-143918260-C-T. GRCh37 (hg19) VCF-style: chr8-144992428-C-T.
Other names: c.11642G>A, p.Arg3881His (NM_000445.5); c.11519G>A, p.Arg3840His (NM_201378.4); c.11495G>A, p.Arg3832His (NM_201379.3); c.11972G>A, p.Arg3991His (NM_201380.4); c.11465G>A, p.Arg3822His (NM_201381.3); c.11561G>A, p.Arg3854His (NM_201382.4); c.11573G>A, p.Arg3858His (NM_201383.3); short protein forms R3822H, R3854H, R3858H, R3881H, R3991H, R3832H, R3840H.
Identifiers: ClinVar variation 967589 (VCV000967589.8), dbSNP rs782426200, ClinGen allele CA4924313.